The following is an entry in ClinVar:

NM_001040108.2(MLH3):c.589A>T (p.Met197Leu)

Gene: MLH3 (mutL homolog 3; minus strand). Cytogenetic location: 14q24.3.
Variant type: single nucleotide variant.
Coding change: c.589A>T on transcript NM_001040108.2 (MANE Select); coding-DNA position 589, A replaced by T.
Protein change: p.Met197Leu; replaces methionine 197 with leucine.
Molecular consequence: missense variant.
Genome position (GRCh38, 1-based): chr14:75,049,067, T>A on the plus strand (A>T on the coding strand, the complement: MLH3 is on the minus strand). VCF-style: chr14-75049067-T-A. GRCh37 (hg19) VCF-style: chr14-75515770-T-A.
Other names: c.589A>T, p.Met197Leu (NM_014381.3); short protein forms M197L.
Identifiers: ClinVar variation 1750355 (VCV001750355.7), dbSNP rs750800691, ClinGen allele CA7276005.
Genomic context (GRCh38, chr14:75,049,067, plus strand): 5'-ATCCATAAATTTGACAAAATCGGGAACATACGTCTTTGGTTTTAGGGAGCTGAAGAACCA[T>A]GGAACCAGAAACATCATTTCTCAAAGAGAAAGAAATGGAAGGGTGCATGAGTGAGAGAGC-3'
Protein context (NP_001035197.1, residues 187-207): FSLRNDVSGS[Met197Leu]VLQLPKTKDV

ClinVar aggregate classification (germline): Uncertain significance. Review status: criteria provided, multiple submitters, no conflicts (2 of 4 stars). 3 submissions from 3 submitters: Uncertain significance (3). Last evaluated 2025-08-08.

Conditions:
Colorectal cancer, hereditary nonpolyposis, type 7. Identifiers: Orphanet 144, MedGen C1858380, MONDO:0013725, OMIM 614385.
Endometrial carcinoma. Also called: Endometrial carcinoma, somatic. Identifiers: MedGen C0476089, MONDO:0002447, OMIM 608089, HP:0012114.
Colorectal cancer. Also called: Colorectal cancer, somatic; Malignant Colorectal Neoplasm. Identifiers: MedGen C0346629, MONDO:0005575, OMIM 114500.

Allele frequency attached by ClinVar (database versions not stated): TOPMed below 0.00001.

Submissions (3):

Ambry Genetics
Classification: Uncertain significance. Last evaluated: 2025-08-08. Review status: criteria provided, single submitter. Criteria: Ambry Variant Classification Scheme 2023. Collection method: clinical testing. Allele origin: germline.
Comment: The p.M197L variant (also known as c.589A>T), located in coding exon 1 of the MLH3 gene, results from an A to T substitution at nucleotide position 589. The methionine at codon 197 is replaced by leucine, an amino acid with highly similar properties. This amino acid position is conserved. In addition, the in silico prediction for this alteration is inconclusive. Since supporting evidence is limited at this time, the clinical significance of this alteration remains unclear.

Labcorp Genetics (formerly Invitae), Labcorp
Classification: Uncertain significance for Colorectal cancer, hereditary nonpolyposis, type 7. Last evaluated: 2024-04-30. Review status: criteria provided, single submitter. Criteria: Invitae Variant Classification Sherloc (09022015). Collection method: clinical testing. Allele origin: germline.
Comment: This sequence change replaces methionine, which is neutral and non-polar, with leucine, which is neutral and non-polar, at codon 197 of the MLH3 protein (p.Met197Leu). This variant is present in population databases (rs750800691, gnomAD 0.004%). This variant has not been reported in the literature in individuals affected with MLH3-related conditions. ClinVar contains an entry for this variant (Variation ID: 1750355). An algorithm developed to predict the effect of missense changes on protein structure and function (PolyPhen-2) suggests that this variant is likely to be tolerated. In summary, the available evidence is currently insufficient to determine the role of this variant in disease. Therefore, it has been classified as a Variant of Uncertain Significance.

Department of Pathology and Laboratory Medicine, Sinai Health System
Classification: Uncertain significance for Colorectal cancer; Endometrial carcinoma; Colorectal cancer, hereditary nonpolyposis, type 7. Last evaluated: 2024-01-08. Review status: criteria provided, single submitter. Criteria: ACMG Guidelines, 2015. Collection method: clinical testing. Allele origin: germline. Affected: yes.